The following is an entry in ClinVar:

ClinVar aggregate classification (germline): Uncertain significance. Review status: criteria provided, multiple submitters, no conflicts (2 of 4 stars). 2 submissions from 2 submitters: Uncertain significance (2). Last evaluated 2023-02-23.

Conditions:
Inborn genetic diseases. Identifiers: MedGen C0950123, MeSH D030342.
Immunodeficiency 35 (IMD35). Also called: TYK2 DEFICIENCY; HIES WITH ATYPICAL MYCOBACTERIOSIS, AUTOSOMAL RECESSIVE; HYPER-IgE SYNDROME WITH ATYPICAL MYCOBACTERIOSIS, AUTOSOMAL RECESSIVE; Susceptibility to infection due to TYK2 deficiency. Identifiers: Orphanet 331226, MedGen C1969086, MONDO:0012682, OMIM 611521.

Allele frequency attached by ClinVar (database versions not stated): gnomAD 0.00001 and 0.00002; TOPMed 0.00002.
gnomAD v4.1: 3 of 1,613,894 alleles (0.00019%); highest among the groups gnomAD compares: African/African-American, 0.004%; no homozygotes.

Submissions (2):

Ambry Genetics
Classification: Uncertain significance for Inborn genetic diseases. Last evaluated: 2023-02-23. Review status: criteria provided, single submitter. Criteria: Ambry Variant Classification Scheme 2023. Collection method: clinical testing. Allele origin: germline.

Labcorp Genetics (formerly Invitae), Labcorp
Classification: Uncertain significance for Immunodeficiency 35. Last evaluated: 2020-01-10. Review status: criteria provided, single submitter. Criteria: Invitae Variant Classification Sherloc (09022015). Collection method: clinical testing. Allele origin: germline.
Comment: In summary, the available evidence is currently insufficient to determine the role of this variant in disease. Therefore, it has been classified as a Variant of Uncertain Significance. Algorithms developed to predict the effect of missense changes on protein structure and function are either unavailable or do not agree on the potential impact of this missense change (SIFT: "Not Available"; PolyPhen-2: "Benign"; Align-GVGD: "Not Available"). This variant has not been reported in the literature in individuals with TYK2-related conditions. This variant is not present in population databases (ExAC no frequency). This sequence change replaces isoleucine with phenylalanine at codon 93 of the TYK2 protein (p.Ile93Phe). The isoleucine residue is weakly conserved and there is a small physicochemical difference between isoleucine and phenylalanine.

NM_003331.5(TYK2):c.277A>T (p.Ile93Phe)

Gene: TYK2 (tyrosine kinase 2; minus strand). Cytogenetic location: 19p13.2.
Variant type: single nucleotide variant.
Coding change: c.277A>T on transcript NM_003331.5 (MANE Select); coding-DNA position 277, A replaced by T.
Protein change: p.Ile93Phe; replaces isoleucine 93 with phenylalanine.
Molecular consequence: missense variant.
Genome position (GRCh38, 1-based): chr19:10,368,335, T>A on the plus strand (A>T on the coding strand, the complement: TYK2 is on the minus strand). VCF-style: chr19-10368335-T-A. GRCh37 (hg19) VCF-style: chr19-10479011-T-A.
Other names: c.277A>T, p.Ile93Phe (NM_001385197.1, NM_001385198.1, NM_001385199.1 and 8 more transcripts); c.277A>T (NM_003331.4); short protein forms I93F.
Identifiers: ClinVar variation 1023435 (VCV001023435.8), dbSNP rs1434718123, ClinGen allele CA404020055.